The following is an entry in ClinVar:

ClinVar aggregate classification (germline): Uncertain significance (1 of 4 stars; one submission).

Allele frequency attached by ClinVar (database versions not stated): TOPMed below 0.00001; ExAC 0.00001; gnomAD 0.00001.
gnomAD v4.1: 6 of 1,608,622 alleles (0.00037%); highest among the groups gnomAD compares: Admixed American, 0.0034%; no homozygotes.

Submission:

Labcorp Genetics (formerly Invitae), Labcorp
Classification: Uncertain significance. Last evaluated: 2025-12-27. Review status: criteria provided, single submitter. Criteria: Invitae Variant Classification Sherloc (09022015). Collection method: clinical testing. Allele origin: germline.
Comment: This sequence change replaces threonine, which is neutral and polar, with isoleucine, which is neutral and non-polar, at codon 208 of the PPP3CA protein (p.Thr208Ile). The frequency data for this variant in the population databases is considered unreliable, as metrics indicate poor data quality at this position in the gnomAD database. This variant has not been reported in the literature in individuals affected with PPP3CA-related conditions. ClinVar contains an entry for this variant (Variation ID: 1906346). Invitae Evidence Modeling of protein sequence and biophysical properties (such as structural, functional, and spatial information, amino acid conservation, physicochemical variation, residue mobility, and thermodynamic stability) indicates that this missense variant is expected to disrupt PPP3CA protein function with a positive predictive value of 80%. In summary, the available evidence is currently insufficient to determine the role of this variant in disease. Therefore, it has been classified as a Variant of Uncertain Significance.

NM_000944.5(PPP3CA):c.623C>T (p.Thr208Ile)

Gene: PPP3CA (protein phosphatase 3 catalytic subunit alpha; minus strand). Cytogenetic location: 4q24.
Variant type: single nucleotide variant.
Coding change: c.623C>T on transcript NM_000944.5 (MANE Select); coding-DNA position 623, C replaced by T.
Protein change: p.Thr208Ile; replaces threonine 208 with isoleucine.
Molecular consequence: missense variant.
Genome position (GRCh38, 1-based): chr4:101,098,386, G>A on the plus strand (C>T on the coding strand, the complement: PPP3CA is on the minus strand). VCF-style: chr4-101098386-G-A. GRCh37 (hg19) VCF-style: chr4-102019543-G-A.
Other names: c.623C>T, p.Thr208Ile (NM_001130691.2, NM_001130692.2); short protein forms T208I.
Identifiers: ClinVar variation 1906346 (VCV001906346.5), dbSNP rs749789772, ClinGen allele CA3024455.
Genomic context (GRCh38, chr4:101,098,386, plus strand): 5'-AGCGCACAAAATGATTAGACTTGGAAAATAACAAAACTTACTTTTCTGATATCATCTAAA[G>A]TGTTAATCTCTGGAGACAAACCACCATGCACACACAGGAACTGTTGGTTCATCAGGGCAG-3'
Protein context (NP_000935.1, residues 198-218): VHGGLSPEIN[Thr208Ile]LDDIRKLDRF